The following is an entry in ClinVar:

NM_152641.4(ARID2):c.5147+1G>A

Gene: ARID2 (AT-rich interaction domain 2; plus strand). Cytogenetic location: 12q12.
Variant type: single nucleotide variant.
Coding change: c.5147+1G>A on transcript NM_152641.4 (MANE Select); the canonical splice donor site of the intron after coding-DNA position 5147, G replaced by A.
Molecular consequence: splice donor variant.
Genome position (GRCh38, 1-based): chr12:45,892,097, G>A. VCF-style: chr12-45892097-G-A. GRCh37 (hg19) VCF-style: chr12-46285880-G-A.
Other names: c.5147+1G>A (NM_001347839.2).
Identifiers: ClinVar variation 3766711 (VCV003766711.1).

ClinVar aggregate classification (germline): Likely pathogenic (1 of 4 stars; one submission).

Conditions:
Coffin-Siris syndrome 6. Identifiers: MedGen C4540499, MONDO:0033492, OMIM 617808.

Submission:

ARUP Laboratories, Molecular Genetics and Genomics, ARUP Laboratories
Classification: Likely pathogenic for Coffin-Siris syndrome 6. Last evaluated: 2024-07-10. Review status: criteria provided, single submitter. Criteria: ARUP Molecular Germline Variant Investigation Process 2024. Collection method: clinical testing. Allele origin: germline.
Comment: The ARID2 c.5147+1G>A variant, to our knowledge, is not reported in the medical literature or gene specific databases. This variant is also absent from the Genome Aggregation Database (v2.1.1), indicating it is not a common polymorphism. This variant disrupts the canonical splice donor site of intron 18, which is likely to negatively impact gene function. Based on available information, this variant is considered to be likely pathogenic.